The following is an entry in ClinVar:

NM_021224.6(ZNF462):c.5816A>G (p.Asp1939Gly)

Gene: ZNF462 (zinc finger protein 462; plus strand). Cytogenetic location: 9q31.2.
Variant type: single nucleotide variant.
Coding change: c.5816A>G on transcript NM_021224.6 (MANE Select); coding-DNA position 5816, A replaced by G.
Protein change: p.Asp1939Gly; replaces aspartic acid 1939 with glycine.
Molecular consequence: missense variant. On other transcripts: intron variant (1).
Genome position (GRCh38, 1-based): chr9:106,929,728, A>G. VCF-style: chr9-106929728-A-G. GRCh37 (hg19) VCF-style: chr9-109692009-A-G.
Other names: c.3253-797A>G (NM_001347997.2); short protein forms D1939G.
Identifiers: ClinVar variation 3902421 (VCV003902421.1).

ClinVar aggregate classification (germline): Uncertain significance (1 of 4 stars; one submission).

Submission:

Women's Health and Genetics/Laboratory Corporation of America, LabCorp
Classification: Uncertain significance. Last evaluated: 2025-05-08. Review status: criteria provided, single submitter. Criteria: LabCorp Variant Classification Summary - May 2015. Collection method: clinical testing. Allele origin: germline.
Comment: Variant summary: ZNF462 c.5816A>G (p.Asp1939Gly) results in a non-conservative amino acid change in the encoded protein sequence. Algorithms developed to predict the effect of missense changes on protein structure and function are either unavailable or do not agree on the potential impact of this missense change. The variant was absent in 248664 control chromosomes. The available data on variant occurrences in the general population are insufficient to allow any conclusion about variant significance. To our knowledge, no occurrence of c.5816A>G in individuals affected with Weiss-Kruszka Syndrome and no experimental evidence demonstrating its impact on protein function have been reported. No submitters have cited clinical-significance assessments for this variant to ClinVar. Based on the evidence outlined above, the variant was classified as uncertain significance.